The following is an entry in ClinVar:

NM_080732.4(EGLN2):c.923T>A (p.Ile308Asn)

Genes: EGLN2 (egl-9 family hypoxia inducible factor 2; plus strand), RAB4B-EGLN2 (RAB4B-EGLN2 readthrough (NMD candidate); plus strand). Cytogenetic location: 19q13.2.
Variant type: single nucleotide variant.
Coding change: c.923T>A on transcript NM_080732.4 (MANE Select); coding-DNA position 923, T replaced by A.
Protein change: p.Ile308Asn; replaces isoleucine 308 with asparagine.
Molecular consequence: missense variant. On other transcripts: non-coding transcript variant (1).
Genome position (GRCh38, 1-based): chr19:40,806,634, T>A. VCF-style: chr19-40806634-T-A. GRCh37 (hg19) VCF-style: chr19-41312539-T-A.
Other names: c.923T>A, p.Ile308Asn (NM_053046.4); short protein forms I308N.
Identifiers: ClinVar variation 1766296 (VCV001766296.2), dbSNP rs2516006534, ClinGen allele CA405956276.

ClinVar aggregate classification (germline): Uncertain significance (1 of 4 stars; one submission).

Allele frequency attached by ClinVar (database versions not stated): gnomAD exomes below 0.00001.

Submission:

Ambry Genetics
Classification: Uncertain significance. Last evaluated: 2022-09-12. Review status: criteria provided, single submitter. Criteria: Ambry Variant Classification Scheme 2023. Collection method: clinical testing. Allele origin: germline.
Comment: The p.I308N variant (also known as c.923T>A), located in coding exon 2 of the EGLN2 gene, results from a T to A substitution at nucleotide position 923. The isoleucine at codon 308 is replaced by asparagine, an amino acid with dissimilar properties. This amino acid position is conserved. In addition, the in silico prediction for this alteration is inconclusive. Since supporting evidence is limited at this time, the clinical significance of this alteration remains unclear.